The following is an entry in ClinVar:

ClinVar aggregate classification (germline): Uncertain significance (1 of 4 stars; one submission).

Conditions:
Ornithine aminotransferase deficiency (GACR). Also called: HYPERORNITHINEMIA WITH GYRATE ATROPHY OF CHOROID AND RETINA; OAT DEFICIENCY; OKT DEFICIENCY; Ornithine ketoacid aminotransferase deficiency; Gyrate atrophy; Gyrate atrophy of choroid and retina. Identifiers: Orphanet 414, MedGen C0018425, MONDO:0009796, OMIM 258870.

Submission:

Labcorp Genetics (formerly Invitae), Labcorp
Classification: Uncertain significance for Ornithine aminotransferase deficiency. Last evaluated: 2021-09-01. Review status: criteria provided, single submitter. Criteria: Invitae Variant Classification Sherloc (09022015). Collection method: clinical testing. Allele origin: germline.
Comment: This sequence change replaces leucine with arginine at codon 395 of the OAT protein (p.Leu395Arg). The leucine residue is highly conserved and there is a moderate physicochemical difference between leucine and arginine. This variant is not present in population databases (ExAC no frequency). This variant has not been reported in the literature in individuals affected with OAT-related conditions. Algorithms developed to predict the effect of missense changes on protein structure and function are either unavailable or do not agree on the potential impact of this missense change (SIFT: "Deleterious"; PolyPhen-2: "Possibly Damaging"; Align-GVGD: "Class C0"). In summary, the available evidence is currently insufficient to determine the role of this variant in disease. Therefore, it has been classified as a Variant of Uncertain Significance.

NM_000274.4(OAT):c.1184T>G (p.Leu395Arg)

Gene: OAT (ornithine aminotransferase; minus strand). Cytogenetic location: 10q26.13.
Variant type: single nucleotide variant.
Coding change: c.1184T>G on transcript NM_000274.4 (MANE Select); coding-DNA position 1184, T replaced by G.
Protein change: p.Leu395Arg; replaces leucine 395 with arginine.
Molecular consequence: missense variant.
Genome position (GRCh38, 1-based): chr10:124,398,078, A>C on the plus strand (T>G on the coding strand, the complement: OAT is on the minus strand). VCF-style: chr10-124398078-A-C. GRCh37 (hg19) VCF-style: chr10-126086647-A-C.
Other names: c.770T>G, p.Leu257Arg (NM_001171814.2); c.1184T>G, p.Leu395Arg (NM_001322965.2, NM_001322966.2, NM_001322967.2 and 3 more transcripts); c.863T>G, p.Leu288Arg (NM_001322971.2); c.584T>G, p.Leu195Arg (NM_001322974.2); short protein forms L257R, L288R, L395R, L195R.
Identifiers: ClinVar variation 1521327 (VCV001521327.5), dbSNP rs2134440552, ClinGen allele CA378633225.
Genomic context (GRCh38, chr10:124,398,078, plus strand): 5'-GCAAACCTGATAATGTCGCCATGGGTTGGCTTGGCCAGAAGTCCATTATCTCGAAGTCGT[A>C]GACACACCTTCCAAGCATCCCAATCTAAAGAAAAATAGTAAAACGTACATGCTCAAAGAT-3'
Protein context (NP_000265.1, residues 385-405): TKDWDAWKVC[Leu395Arg]RLRDNGLLAK